The following is an entry in ClinVar:

NC_000002.11:g.(?_228102664)_(228176586_?)del

Gene: COL4A3 (collagen type IV alpha 3 chain; plus strand). Cytogenetic location: 2q36.3.
Variant type: Deletion.
Identifiers: ClinVar variation 1074657 (VCV001074657.2).

ClinVar aggregate classification (germline): Pathogenic (1 of 4 stars; one submission).

Submission:

Labcorp Genetics (formerly Invitae), Labcorp
Classification: Pathogenic. Last evaluated: 2021-08-24. Review status: criteria provided, single submitter. Criteria: Invitae Variant Classification Sherloc (09022015). Collection method: clinical testing. Allele origin: germline.
Comment: This variant is a gross deletion of the genomic region encompassing exon(s) 2-52 of the COL4A3 gene, which includes the termination codon. This deletion extends beyond the assayed region for this gene and therefore may encompass additional genes. While this deletion is not anticipated to lead to nonsense mediated decay, it is expected to alter mRNA translation or result in a truncated protein product. This variant has not been reported in the literature in individuals affected with COL4A3-related conditions. This variant disrupts a region of the COL4A3 protein in which other variant(s) (p.Ile1658Lysfs*2) have been determined to be pathogenic (Invitae). This suggests that this is a clinically significant region of the protein, and that variants that disrupt it are likely to be disease-causing. For these reasons, this variant has been classified as Pathogenic.